The following is an entry in ClinVar:

ClinVar aggregate classification (germline): Uncertain significance (1 of 4 stars; one submission).

Conditions:
DICER1-related tumor predisposition. Also called: DICER1-related pleuropulmonary blastoma cancer predisposition syndrome; DICER1 syndrome. Identifiers: Orphanet 284343, MedGen C3839822, MONDO:0100216.

Submission:

Labcorp Genetics (formerly Invitae), Labcorp
Classification: Uncertain significance for DICER1-related tumor predisposition. Last evaluated: 2024-04-10. Review status: criteria provided, single submitter. Criteria: Invitae Variant Classification Sherloc (09022015). Collection method: clinical testing. Allele origin: germline.
Comment: This sequence change replaces asparagine, which is neutral and polar, with lysine, which is basic and polar, at codon 433 of the DICER1 protein (p.Asn433Lys). This variant is not present in population databases (gnomAD no frequency). This variant has not been reported in the literature in individuals affected with DICER1-related conditions. Advanced modeling of protein sequence and biophysical properties (such as structural, functional, and spatial information, amino acid conservation, physicochemical variation, residue mobility, and thermodynamic stability) performed at Invitae indicates that this missense variant is not expected to disrupt DICER1 protein function with a negative predictive value of 80%. In summary, the available evidence is currently insufficient to determine the role of this variant in disease. Therefore, it has been classified as a Variant of Uncertain Significance.

NM_177438.3(DICER1):c.1299T>G (p.Asn433Lys)

Gene: DICER1 (dicer 1, ribonuclease III; minus strand). Cytogenetic location: 14q32.13.
Variant type: single nucleotide variant.
Coding change: c.1299T>G on transcript NM_177438.3 (MANE Select); coding-DNA position 1299, T replaced by G.
Protein change: p.Asn433Lys; replaces asparagine 433 with lysine.
Molecular consequence: missense variant. On other transcripts: non-coding transcript variant (6), 5 prime UTR variant (1).
Genome position (GRCh38, 1-based): chr14:95,124,273, A>C on the plus strand (T>G on the coding strand, the complement: DICER1 is on the minus strand). VCF-style: chr14-95124273-A-C. GRCh37 (hg19) VCF-style: chr14-95590610-A-C.
Other names: c.1299T>G, p.Asn433Lys (NM_001395699.1, NM_001395700.1, NM_030621.4 and 15 more transcripts); c.1017T>G, p.Asn339Lys (NM_001395686.1); c.894T>G, p.Asn298Lys (NM_001395687.1, NM_001395688.1, NM_001395689.1 and 3 more transcripts); c.732T>G, p.Asn244Lys (NM_001395691.1); c.-270T>G (NM_001395697.1); short protein forms N244K, N298K, N339K, N433K.
Identifiers: ClinVar variation 2865759 (VCV002865759.3), dbSNP rs1555374638, ClinGen allele CA390886282.